The following is an entry in ClinVar:

NM_181458.4(PAX3):c.982G>A (p.Val328Ile)

Genes: PAX3 (paired box 3; minus strand), LOC126806529 (CDK7 strongly-dependent group 2 enhancer GRCh37_chr2:223084735-223085934; plus strand). Cytogenetic location: 2q36.1.
Variant type: single nucleotide variant.
Coding change: c.982G>A on transcript NM_181458.4 (MANE Select); coding-DNA position 982, G replaced by A.
Protein change: p.Val328Ile; replaces valine 328 with isoleucine.
Molecular consequence: missense variant.
Genome position (GRCh38, 1-based): chr2:222,220,331, C>T on the plus strand (G>A on the coding strand, the complement: PAX3 is on the minus strand). VCF-style: chr2-222220331-C-T. GRCh37 (hg19) VCF-style: chr2-223085050-C-T.
Other names: c.979G>A, p.Val327Ile (NM_001127366.3); c.982G>A, p.Val328Ile (NM_181457.4, NM_181459.4, NM_181460.4 and 1 more transcripts); short protein forms V327I, V328I.
Identifiers: ClinVar variation 504758 (VCV000504758.17), dbSNP rs149799356, ClinGen allele CA2135522.

ClinVar aggregate classification (germline): Likely benign. Review status: criteria provided, multiple submitters, no conflicts (2 of 4 stars). 5 submissions from 5 submitters: Likely benign (4). 1 of the submissions does not count toward it. Last evaluated 2025-12-02.

Conditions:
PAX3-related disorder. Also called: PAX3-related condition.

Allele frequency attached by ClinVar (database versions not stated): gnomAD exomes 0.00008 and 0.00020; gnomAD 0.00073 and 0.00081; 1000 Genomes Project 0.00080; TOPMed 0.00086; ESP Exome Variant Server 0.00115; ExAC 0.00024; 1000 Genomes Project 30x 0.00062.
gnomAD v4.1: 233 of 1,613,984 alleles (0.014%); highest among the groups gnomAD compares: African/African-American, 0.23%; no homozygotes.

Submissions (5):

Labcorp Genetics (formerly Invitae), Labcorp
Classification: Likely benign. Last evaluated: 2025-12-02. Review status: criteria provided, single submitter. Criteria: Invitae Variant Classification Sherloc (09022015). Collection method: clinical testing. Allele origin: germline.

Blueprint Genetics
Classification: Likely benign. Last evaluated: 2024-08-06. Review status: criteria provided, single submitter. Criteria: ACMG Guidelines, 2015. Collection method: clinical testing. Allele origin: germline.

GeneDx
Classification: Likely benign. Last evaluated: 2020-12-30. Review status: criteria provided, single submitter. Criteria: GeneDx Variant Classification Process June 2021. Collection method: clinical testing. Allele origin: germline. Affected: yes.

Laboratory for Molecular Medicine, Mass General Brigham Personalized Medicine
Classification: Likely benign. Last evaluated: 2016-06-04. Review status: criteria provided, single submitter. Criteria: LMM Criteria. Collection method: clinical testing. Allele origin: germline. Observed: 1 variant allele.
Comment: p.Val327Ile in exon 7 of PAX3: This variant is not expected to have clinical sig nificance because it has been identified in 0.2% (21/10406) of African chromosom es by the Exome Aggregation Consortium (ExAC; db SNP). The estimated prevalence of Waardenburg syndrome is 1/42000 (Pingault 2010 ). Therefore, the frequency of this variant is too high to be causative for Waa rdenburg syndrome.

PreventionGenetics, part of Exact Sciences
Classification: Likely benign for PAX3-related condition. Last evaluated: 2023-06-06. Review status: no assertion criteria provided. Collection method: clinical testing. Allele origin: germline. Not counted in ClinVar's aggregate classification.
Comment: This variant is classified as likely benign based on ACMG/AMP sequence variant interpretation guidelines (Richards et al. 2015 PMID: 25741868, with internal and published modifications).

Literature cited by the submitters: PubMed 20127975 (cited by Laboratory for Molecular Medicine, Mass General Brigham Personalized Medicine).